The following is an entry in ClinVar:

NM_001365088.1(SLC12A6):c.2809C>T (p.Arg937Ter)

Gene: SLC12A6 (solute carrier family 12 member 6; minus strand). Cytogenetic location: 15q14.
Variant type: single nucleotide variant.
Coding change: c.2809C>T on transcript NM_001365088.1 (MANE Select); coding-DNA position 2809, C replaced by T.
Protein change: p.Arg937Ter; replaces arginine 937 with a stop codon.
Molecular consequence: nonsense.
Genome position (GRCh38, 1-based): chr15:34,237,544, G>A on the plus strand (C>T on the coding strand, the complement: SLC12A6 is on the minus strand). VCF-style: chr15-34237544-G-A. GRCh37 (hg19) VCF-style: chr15-34529745-G-A.
Other names: c.2632C>T, p.Arg878Ter (NM_001042494.2, NM_001042495.2); c.2782C>T, p.Arg928Ter (NM_001042496.2); c.2764C>T, p.Arg922Ter (NM_001042497.2); c.2656C>T, p.Arg886Ter (NM_005135.2); c.2809C>T, p.Arg937Ter (NM_133647.2); short protein forms R886*, R937*, R922*, R928*, R878*.
Identifiers: ClinVar variation 370137 (VCV000370137.14), dbSNP rs1057516262, ClinGen allele CA16041716.
Genomic context (GRCh38, chr15:34,237,544, plus strand): 5'-TCATTTGGATACTGTTGTCTTCTAATTGGGCTACTGTGAAGATCCGTATGCTGCACTTTC[G>A]CCACACCTGAGAGAGTGACATACACATGTGAAAAATTAGAGCAAGGAGGCAAAAAAGGTT-3'

ClinVar aggregate classification (germline): Pathogenic/Likely pathogenic. Review status: criteria provided, multiple submitters, no conflicts (2 of 4 stars). 6 submissions from 6 submitters: Pathogenic (2); Likely pathogenic (2). 2 of the submissions do not count toward it. Last evaluated 2025-03-05.

Conditions:
Inborn genetic diseases. Identifiers: MedGen C0950123, MeSH D030342.
Agenesis of the corpus callosum with peripheral neuropathy (ACCPN). Also called: Hereditary Motor and Sensory Neuropathy with Agenesis of the Corpus Callosum; POLYNEUROPATHY, SENSORIMOTOR, WITH OR WITHOUT AGENESIS OF THE CORPUS CALLOSUM; HMSN/ACC; CHARLEVOIX DISEASE. Identifiers: Orphanet 1496, MedGen C0795950, MONDO:0000902, OMIM 218000. Disease mechanism: loss of function.

Allele frequency attached by ClinVar (database versions not stated): gnomAD exomes below 0.00001 and 0.00001; TOPMed below 0.00001.
gnomAD v4.1: 6 of 1,611,398 alleles (0.00037%); highest among the groups gnomAD compares: Admixed American, 0.0033%; no homozygotes.

Submissions (6):

Natera, Inc.
Classification: Likely pathogenic for Andermann syndrome. Last evaluated: 2025-03-05. Review status: criteria provided, single submitter. Criteria: Natera Variant Classification Schema (03/2026). Collection method: clinical testing. Allele origin: germline.
Comment: The c.2809C>T variant in SLC12A6 is a nonsense variant predicted to introduce a stop codon at amino acid 937. This variant is expected to result in nonsense mediated decay, truncation, or a dysfunctional protein product. This variant is rare in the general population with a frequency below the threshold expected for the associated phenotype(s). Given the available evidence, this variant is classified as Likely Pathogenic.

Labcorp Genetics (formerly Invitae), Labcorp
Classification: Pathogenic. Last evaluated: 2023-02-18. Review status: criteria provided, single submitter. Criteria: Invitae Variant Classification Sherloc (09022015). Collection method: clinical testing. Allele origin: germline.
Comment: This variant has not been reported in the literature in individuals affected with SLC12A6-related conditions. This variant is present in population databases (no rsID available, gnomAD 0.006%). This sequence change creates a premature translational stop signal (p.Arg937*) in the SLC12A6 gene. It is expected to result in an absent or disrupted protein product. Loss-of-function variants in SLC12A6 are known to be pathogenic (PMID: 12368912, 16606917). For these reasons, this variant has been classified as Pathogenic. ClinVar contains an entry for this variant (Variation ID: 370137).

Baylor Genetics
Classification: Likely pathogenic for Agenesis of the corpus callosum with peripheral neuropathy. Last evaluated: 2022-10-13. Review status: criteria provided, single submitter. Criteria: ACMG Guidelines, 2015. Collection method: clinical testing. Allele origin: unknown.

Ambry Genetics
Classification: Pathogenic for Inborn genetic diseases. Last evaluated: 2022-07-21. Review status: criteria provided, single submitter. Criteria: Ambry Variant Classification Scheme 2023. Collection method: clinical testing. Allele origin: germline.
Comment: The c.2809C>T (p.R937*) alteration, located in exon 21 (coding exon 21) of the SLC12A6 gene, consists of a C to T substitution at nucleotide position 2809. This changes the amino acid from a arginine (R) to a stop codon at amino acid position 937. This alteration is expected to result in loss of function by premature protein truncation or nonsense-mediated mRNA decay. Although biallelic loss of function alterations in SLC12A6 have been associated with autosomal recessive agenesis of the corpus callosum with peripheral neuropathy, haploinsufficiency for SLC12A6 has not been established as a mechanism of disease for autosomal dominant SLC12A6-related peripheral motor neuropathy. Based on the available evidence, the c.2809C>T (p.R937*) alteration is classified as pathogenic for autosomal recessive agenesis of the corpus callosum with peripheral neuropathy; however, its clinical significance for autosomal dominant SLC12A6-related peripheral motor neuropathy is unclear. Based on data from gnomAD, the T allele has an overall frequency of <0.01% (2/251430) total alleles studied. The highest observed frequency was 0.01% (2/34592) of Latino alleles. Based on the available evidence, this alteration is classified as pathogenic.

Center for Molecular Medicine, Children’s Hospital of Fudan University
Classification: Pathogenic for Agenesis of the corpus callosum with peripheral neuropathy. Last evaluated: 2022-02-08. Review status: no assertion criteria provided. Collection method: clinical testing. Allele origin: unknown. Affected: yes. Not counted in ClinVar's aggregate classification.

Counsyl
Classification: Likely pathogenic for Agenesis of the corpus callosum with peripheral neuropathy. Last evaluated: 2015-11-24. Review status: no assertion criteria provided. Collection method: clinical testing. Allele origin: unknown. Not counted in ClinVar's aggregate classification.

Literature cited by the submitters: PubMed 12368912 (cited by Labcorp Genetics (formerly Invitae), Labcorp); PubMed 16606917 (cited by Labcorp Genetics (formerly Invitae), Labcorp).